The following is an entry in ClinVar:

ClinVar aggregate classification (germline): Uncertain significance. Review status: criteria provided, multiple submitters, no conflicts (2 of 4 stars). 2 submissions from 2 submitters: Uncertain significance (2). Last evaluated 2022-04-03.

Conditions:
Inborn genetic diseases. Identifiers: MedGen C0950123, MeSH D030342.

Allele frequency attached by ClinVar (database versions not stated): gnomAD exomes below 0.00001.
gnomAD v4.1: 1 of 1,614,140 alleles (0.000062%); highest among the groups gnomAD compares: Admixed American, 0.0017%; no homozygotes.

Submissions (2):

Labcorp Genetics (formerly Invitae), Labcorp
Classification: Uncertain significance. Last evaluated: 2022-04-03. Review status: criteria provided, single submitter. Criteria: Invitae Variant Classification Sherloc (09022015). Collection method: clinical testing. Allele origin: germline.
Comment: This sequence change replaces serine, which is neutral and polar, with asparagine, which is neutral and polar, at codon 1977 of the FLNB protein (p.Ser1977Asn). This variant is present in population databases (no rsID available, gnomAD 0.003%). This variant has not been reported in the literature in individuals affected with FLNB-related conditions. Advanced modeling of protein sequence and biophysical properties (such as structural, functional, and spatial information, amino acid conservation, physicochemical variation, residue mobility, and thermodynamic stability) performed at Invitae indicates that this missense variant is not expected to disrupt FLNB protein function. In summary, the available evidence is currently insufficient to determine the role of this variant in disease. Therefore, it has been classified as a Variant of Uncertain Significance.

Ambry Genetics
Classification: Uncertain significance for Inborn genetic diseases. Last evaluated: 2021-07-15. Review status: criteria provided, single submitter. Criteria: Ambry Variant Classification Scheme 2023. Collection method: clinical testing. Allele origin: germline.

NM_001457.4(FLNB):c.5930G>A (p.Ser1977Asn)

Gene: FLNB (filamin B; plus strand). Cytogenetic location: 3p14.3.
Variant type: single nucleotide variant.
Coding change: c.5930G>A on transcript NM_001457.4 (MANE Select); coding-DNA position 5930, G replaced by A.
Protein change: p.Ser1977Asn; replaces serine 1977 with asparagine.
Molecular consequence: missense variant.
Genome position (GRCh38, 1-based): chr3:58,148,691, G>A. VCF-style: chr3-58148691-G-A. GRCh37 (hg19) VCF-style: chr3-58134418-G-A.
Other names: c.6023G>A, p.Ser2008Asn (NM_001164317.2); c.5897G>A, p.Ser1966Asn (NM_001164318.2); c.5858G>A, p.Ser1953Asn (NM_001164319.2); short protein forms S2008N, S1953N, S1977N, S1966N.
Identifiers: ClinVar variation 2120979 (VCV002120979.5), dbSNP rs1412255952, ClinGen allele CA353356149.